The following is an entry in ClinVar:

NM_024334.3(TMEM43):c.163-6T>A

Gene: TMEM43 (transmembrane protein 43; plus strand). Cytogenetic location: 3p25.1.
Variant type: single nucleotide variant.
Coding change: c.163-6T>A on transcript NM_024334.3 (MANE Select); 6 bases into the intron before coding-DNA position 163, T replaced by A.
Molecular consequence: intron variant.
Genome position (GRCh38, 1-based): chr3:14,130,816, T>A. VCF-style: chr3-14130816-T-A. GRCh37 (hg19) VCF-style: chr3-14172316-T-A.
Identifiers: ClinVar variation 414170 (VCV000414170.56), dbSNP rs372434224, ClinGen allele CA2266934.

ClinVar aggregate classification (germline): Benign/Likely benign. Review status: criteria provided, multiple submitters, no conflicts (2 of 4 stars). 13 submissions from 13 submitters: Benign (6); Likely benign (4). 3 of the submissions do not count toward it. Last evaluated 2026-03-27.

Conditions:
TMEM43-related disorder. Also called: TMEM43-related condition.
Cardiomyopathy (CMYO). Also called: Cardiomyopathies. Identifiers: Orphanet 167848, MedGen C0878544, MONDO:0004994, HP:0001638. Inheritance: Various modes of inheritance.
Arrhythmogenic right ventricular dysplasia 5. Also called: Arrhythmogenic Right Ventricular Dysplasia/Cardiomyopathy 5; ARRHYTHMOGENIC RIGHT VENTRICULAR DYSPLASIA, FAMILIAL, 5. Identifiers: MedGen C1858379, MONDO:0011459, OMIM 604400.

Allele frequency attached by ClinVar (database versions not stated): gnomAD exomes 0.00008 and 0.00020; ExAC 0.00027; gnomAD 0.00078 and 0.00088; TOPMed 0.00098; ESP Exome Variant Server 0.00138.

Submissions (13):

Molecular Diagnostic Laboratory for Inherited Cardiovascular Disease, Montreal Heart Institute
Classification: Likely benign. Last evaluated: 2026-03-27. Review status: criteria provided, single submitter. Criteria: ACMG Guidelines, 2015. Collection method: clinical testing. Allele origin: germline. Affected: no.
Comment: BS1;BP4

Labcorp Genetics (formerly Invitae), Labcorp
Classification: Benign for Arrhythmogenic right ventricular dysplasia 5. Last evaluated: 2026-01-13. Review status: criteria provided, single submitter. Criteria: Invitae Variant Classification Sherloc (09022015). Collection method: clinical testing. Allele origin: germline.

Women's Health and Genetics/Laboratory Corporation of America, LabCorp
Classification: Benign. Last evaluated: 2025-07-17. Review status: criteria provided, single submitter. Criteria: LabCorp Variant Classification Summary - May 2015. Collection method: clinical testing. Allele origin: germline.

PreventionGenetics, part of Exact Sciences
Classification: Likely benign for TMEM43-related condition. Last evaluated: 2025-03-30. Review status: criteria provided, single submitter. Criteria: ACMG Guidelines, 2015. Collection method: clinical testing. Allele origin: germline.
Comment: This variant is classified as likely benign based on ACMG/AMP sequence variant interpretation guidelines (Richards et al. 2015 PMID: 25741868, with internal and published modifications).

All of Us Research Program, National Institutes of Health
Classification: Benign for Arrhythmogenic right ventricular dysplasia 5. Last evaluated: 2024-02-05. Review status: criteria provided, single submitter. Criteria: ACMG Guidelines, 2015. Collection method: clinical testing. Allele origin: germline. Inheritance: Autosomal dominant inheritance. Observed: 46 variant alleles, 46 heterozygotes.
Comment: This study involves interpretation of variants in research participants for the purpose of population health screening. Participant phenotype was not available at the time of variant classification. Additional details can be found in publication PMID: 35346344, PMCID: PMC8962531

CeGaT Center for Human Genetics Tuebingen
Classification: Likely benign. Last evaluated: 2023-07-01. Review status: criteria provided, single submitter. Criteria: CeGaT Center For Human Genetics Tuebingen Variant Classification Criteria Version 2. Collection method: clinical testing. Allele origin: germline. Affected: yes. Observed: 1 variant allele.
Comment: TMEM43: BP4

Blueprint Genetics
Classification: Likely benign. Last evaluated: 2023-06-01. Review status: criteria provided, single submitter. Criteria: ACMG Guidelines, 2015. Collection method: clinical testing. Allele origin: germline.

ARUP Laboratories, Molecular Genetics and Genomics, ARUP Laboratories
Classification: Benign. Last evaluated: 2020-06-23. Review status: criteria provided, single submitter. Criteria: ARUP Molecular Germline Variant Investigation Process. Collection method: clinical testing. Allele origin: germline.

Color Diagnostics, LLC DBA Color Health
Classification: Benign for Cardiomyopathy. Last evaluated: 2018-11-23. Review status: criteria provided, single submitter. Criteria: ACMG Guidelines, 2015. Collection method: clinical testing. Allele origin: germline.

GeneDx
Classification: Benign. Last evaluated: 2015-03-03. Review status: criteria provided, single submitter. Criteria: GeneDx Variant Classification Process June 2021. Collection method: clinical testing. Allele origin: germline. Affected: yes.

Clinical Genetics DNA and cytogenetics Diagnostics Lab, Erasmus MC, Erasmus Medical Center
Classification: Likely benign. Review status: no assertion criteria provided. Collection method: clinical testing. Allele origin: germline. Affected: yes. Study: VKGL Data-share Consensus. Not counted in ClinVar's aggregate classification.

Clinical Genetics, Academic Medical Center
Classification: Benign. Review status: no assertion criteria provided. Collection method: clinical testing. Allele origin: germline. Affected: yes. Study: VKGL Data-share Consensus. Not counted in ClinVar's aggregate classification.

Diagnostic Laboratory, Department of Genetics, University Medical Center Groningen
Classification: Likely benign. Review status: no assertion criteria provided. Collection method: clinical testing. Allele origin: germline. Affected: yes. Study: VKGL Data-share Consensus. Not counted in ClinVar's aggregate classification.